The following is an entry in ClinVar:

ClinVar aggregate classification (germline): Pathogenic (1 of 4 stars; one submission).

Submission:

Labcorp Genetics (formerly Invitae), Labcorp
Classification: Pathogenic. Last evaluated: 2021-11-29. Review status: criteria provided, single submitter. Criteria: Invitae Variant Classification Sherloc (09022015). Collection method: clinical testing. Allele origin: germline.
Comment: For these reasons, this variant has been classified as Pathogenic. This variant has not been reported in the literature in individuals affected with ALPK3-related conditions. This variant is not present in population databases (gnomAD no frequency). This sequence change creates a premature translational stop signal (p.Ser985Profs*75) in the ALPK3 gene. It is expected to result in an absent or disrupted protein product. Loss-of-function variants in ALPK3 are known to be pathogenic (PMID: 21441111, 26846950, 27106955, 34263907).

Literature cited by the submitters: PubMed 21441111; PubMed 26846950; PubMed 27106955; PubMed 34263907.

NM_020778.5(ALPK3):c.2346del (p.Ser783fs)

Gene: ALPK3 (alpha kinase 3; plus strand). Cytogenetic location: 15q25.3.
Variant type: Deletion.
Coding change: c.2346del on transcript NM_020778.5 (MANE Select); coding-DNA position 2346, one base deleted (C; older notation c.2346delC).
Protein change: p.Ser783fs; shifts the reading frame from serine 783.
Molecular consequence: frameshift variant.
Genome position (GRCh38, 1-based): chr15:84,857,084, C deleted; the last of 2 consecutive C bases (chr15:84,857,083-84,857,084); deleting either gives the same sequence. VCF-style (leftmost placement, unchanged base first): chr15-84857082-GC-G. GRCh37 (hg19) VCF-style: chr15-85400313-GC-G.
Other names: short protein forms S783fs.
Identifiers: ClinVar variation 2016159 (VCV002016159.4), dbSNP rs2505720068, ClinGen allele CA2580090112.